The following is an entry in ClinVar:

NM_138295.5(PKD1L1):c.4524A>G (p.Pro1508=)

Gene: PKD1L1 (polycystin 1 like 1, transient receptor potential channel interacting; minus strand). Cytogenetic location: 7p12.3.
Variant type: single nucleotide variant.
Coding change: c.4524A>G on transcript NM_138295.5 (MANE Select); coding-DNA position 4524, A replaced by G.
Protein change: p.Pro1508=; no amino-acid change (proline 1508 retained).
Molecular consequence: synonymous variant.
Genome position (GRCh38, 1-based): chr7:47,857,671, T>C on the plus strand (A>G on the coding strand, the complement: PKD1L1 is on the minus strand). VCF-style: chr7-47857671-T-C. GRCh37 (hg19) VCF-style: chr7-47897269-T-C.
Identifiers: ClinVar variation 3050530 (VCV003050530.2), dbSNP rs2484004376, ClinGen allele CA455155509.
Genomic context (GRCh38, chr7:47,857,671, plus strand): 5'-AGGAGCTTGGCTCCCTGGATATGGGTTCTTCTTGAAGAGTATGAGCTGGCTAATGTAGCA[T>C]GGGCTCTGTGTCTCCGCCCCAGCAGGACTGTGCCCAGCAAGGTCACCAGGTAAATGCACC-3'
Protein context (NP_612152.1, residues 1498-1518): HSPAGAETQS[Pro1508=]CYISQLILFK

ClinVar aggregate classification (germline): Likely benign (0 of 4 stars; one submission).

Conditions:
PKD1L1-related disorder. Also called: PKD1L1-related condition.

Submission:

PreventionGenetics, part of Exact Sciences
Classification: Likely benign for PKD1L1-related condition. Last evaluated: 2023-07-06. Review status: no assertion criteria provided. Collection method: clinical testing. Allele origin: germline.
Comment: This variant is classified as likely benign based on ACMG/AMP sequence variant interpretation guidelines (Richards et al. 2015 PMID: 25741868, with internal and published modifications).